The following is an entry in ClinVar:

NM_177438.3(DICER1):c.123T>G (p.Ile41Met)

Gene: DICER1 (dicer 1, ribonuclease III; minus strand). Cytogenetic location: 14q32.13.
Variant type: single nucleotide variant.
Coding change: c.123T>G on transcript NM_177438.3 (MANE Select); coding-DNA position 123, T replaced by G.
Protein change: p.Ile41Met; replaces isoleucine 41 with methionine.
Molecular consequence: missense variant. On other transcripts: 5 prime UTR variant (8), non-coding transcript variant (6), intron variant (1).
Genome position (GRCh38, 1-based): chr14:95,133,336, A>C on the plus strand (T>G on the coding strand, the complement: DICER1 is on the minus strand). VCF-style: chr14-95133336-A-C. GRCh37 (hg19) VCF-style: chr14-95599673-A-C.
Other names: c.123T>G, p.Ile41Met (NM_001395693.1, NM_001395694.1, NM_001395695.1 and 14 more transcripts); c.-152T>G (NM_001395696.1, NM_001395698.1, NM_001395686.1 and 3 more transcripts); c.-1446T>G (NM_001395697.1); c.-130-659T>G (NM_001395687.1); c.-336T>G (NM_001395691.1); short protein forms I41M.
Identifiers: ClinVar variation 4011602 (VCV004011602.1).

ClinVar aggregate classification (germline): Uncertain significance (1 of 4 stars; one submission).

Conditions:
Hereditary cancer-predisposing syndrome. Also called: Tumor predisposition; Hereditary neoplastic syndrome; Neoplastic Syndromes, Hereditary; Hereditary Cancer Syndrome. Identifiers: Orphanet 140162, MedGen C0027672, MeSH D009386, MONDO:0015356.

Submission:

Ambry Genetics
Classification: Uncertain significance for Hereditary cancer-predisposing syndrome. Last evaluated: 2025-03-28. Review status: criteria provided, single submitter. Criteria: Ambry Variant Classification Scheme 2023. Collection method: clinical testing. Allele origin: germline.
Comment: The p.I41M variant (also known as c.123T>G), located in coding exon 1 of the DICER1 gene, results from a T to G substitution at nucleotide position 123. The isoleucine at codon 41 is replaced by methionine, an amino acid with highly similar properties. This amino acid position is conserved. In addition, the in silico prediction for this alteration is inconclusive. Based on the available evidence, the clinical significance of this variant remains unclear.